The following is an entry in ClinVar:

NM_080473.5(GATA5):c.160C>G (p.Gln54Glu)

Gene: GATA5 (GATA binding protein 5; minus strand). Cytogenetic location: 20q13.33.
Variant type: single nucleotide variant.
Coding change: c.160C>G on transcript NM_080473.5 (MANE Select); coding-DNA position 160, C replaced by G.
Protein change: p.Gln54Glu; replaces glutamine 54 with glutamic acid.
Molecular consequence: missense variant.
Genome position (GRCh38, 1-based): chr20:62,475,362, G>C on the plus strand (C>G on the coding strand, the complement: GATA5 is on the minus strand). VCF-style: chr20-62475362-G-C. GRCh37 (hg19) VCF-style: chr20-61050418-G-C.
Other names: short protein forms Q54E.
Identifiers: ClinVar variation 2797138 (VCV002797138.3), dbSNP rs2516447367, ClinGen allele CA409557627.

ClinVar aggregate classification (germline): Uncertain significance (1 of 4 stars; one submission).

Submission:

Labcorp Genetics (formerly Invitae), Labcorp
Classification: Uncertain significance. Last evaluated: 2023-02-17. Review status: criteria provided, single submitter. Criteria: Invitae Variant Classification Sherloc (09022015). Collection method: clinical testing. Allele origin: germline.
Comment: This sequence change replaces glutamine, which is neutral and polar, with glutamic acid, which is acidic and polar, at codon 54 of the GATA5 protein (p.Gln54Glu). In summary, the available evidence is currently insufficient to determine the role of this variant in disease. Therefore, it has been classified as a Variant of Uncertain Significance. Advanced modeling of protein sequence and biophysical properties (such as structural, functional, and spatial information, amino acid conservation, physicochemical variation, residue mobility, and thermodynamic stability) has been performed at Invitae for this missense variant, however the output from this modeling did not meet the statistical confidence thresholds required to predict the impact of this variant on GATA5 protein function. This variant has not been reported in the literature in individuals affected with GATA5-related conditions. This variant is not present in population databases (gnomAD no frequency).